The following is an entry in ClinVar:

ClinVar aggregate classification (germline): Uncertain significance (1 of 4 stars; one submission).

Submission:

GeneDx
Classification: Uncertain significance. Last evaluated: 2024-01-23. Review status: criteria provided, single submitter. Criteria: GeneDx Variant Classification Process June 2021. Collection method: clinical testing. Allele origin: germline. Affected: yes.
Comment: Has not been previously published as pathogenic or benign to our knowledge; Not observed at significant frequency in large population cohorts (gnomAD); In silico analysis supports that this missense variant has a deleterious effect on protein structure/function

NM_014000.3(VCL):c.485A>C (p.Lys162Thr)

Gene: VCL (vinculin; plus strand). Cytogenetic location: 10q22.2.
Variant type: single nucleotide variant.
Coding change: c.485A>C on transcript NM_014000.3 (MANE Select); coding-DNA position 485, A replaced by C.
Protein change: p.Lys162Thr; replaces lysine 162 with threonine.
Molecular consequence: missense variant.
Genome position (GRCh38, 1-based): chr10:74,071,069, A>C. VCF-style: chr10-74071069-A-C. GRCh37 (hg19) VCF-style: chr10-75830827-A-C.
Other names: c.485A>C, p.Lys162Thr (NM_003373.4); short protein forms K162T.
Identifiers: ClinVar variation 3368232 (VCV003368232.1).